The following is an entry in ClinVar:

ClinVar aggregate classification (germline): Benign. Review status: criteria provided, multiple submitters, no conflicts (2 of 4 stars). 2 submissions from 2 submitters: Benign (2). Last evaluated 2018-06-14.

Allele frequency attached by ClinVar (database versions not stated): 1000 Genomes Project 30x 0.86696; TOPMed 0.86876; 1000 Genomes Project 0.87081; gnomAD 0.88220 and 0.88678; gnomAD exomes 0.94356.
gnomAD v4.1: 878,999 of 941,476 alleles (93%); highest among the groups gnomAD compares: South Asian, 97%; 412,098 homozygotes.

Submissions (2):

GeneDx
Classification: Benign. Last evaluated: 2018-06-14. Review status: criteria provided, single submitter. Criteria: GeneDx Variant Classification (06012015). Collection method: clinical testing. Allele origin: germline. Affected: yes.
Comment: This variant is considered likely benign or benign based on one or more of the following criteria: it is a conservative change, it occurs at a poorly conserved position in the protein, it is predicted to be benign by multiple in silico algorithms, and/or has population frequency not consistent with disease.

Breakthrough Genomics
Classification: Benign. Review status: criteria provided, single submitter. Criteria: ACMG Guidelines, 2015. Collection method: not provided. Allele origin: germline. Inheritance: Autosomal recessive inheritance. Affected: yes.

NM_001077365.2(POMT1):c.539+91C>T

Gene: POMT1 (protein O-mannosyltransferase 1; plus strand). Cytogenetic location: 9q34.13.
Variant type: single nucleotide variant.
Coding change: c.539+91C>T on transcript NM_001077365.2 (MANE Select); 91 bases into the intron after coding-DNA position 539, C replaced by T.
Molecular consequence: intron variant.
Genome position (GRCh38, 1-based): chr9:131,509,113, C>T. VCF-style: chr9-131509113-C-T. GRCh37 (hg19) VCF-style: chr9-134384500-C-T.
Other names: c.377+91C>T (NM_001353198.2, NM_001353194.2, NM_001374689.1 and 3 more transcripts); c.539+91C>T (NM_001353193.2, NM_001136113.2, NM_007171.4 and 1 more transcripts); c.188+91C>T (NM_001374691.1, NM_001353195.2, NM_001374692.1 and 2 more transcripts); c.449+91C>T (NM_001353196.2); c.83+91C>T (NM_001374695.1, NM_001353200.2).
Identifiers: ClinVar variation 667981 (VCV000667981.2), dbSNP rs11999204, ClinGen allele CA13102594.